The following is an entry in ClinVar:

ClinVar aggregate classification (germline): Uncertain significance (1 of 4 stars; one submission).

Conditions:
Sulfite oxidase deficiency due to molybdenum cofactor deficiency type C. Also called: Molybdenum cofactor deficiency, complementation group C; Molybdenum cofactor deficiency C. Identifiers: Orphanet 308400, Orphanet 833, MedGen C1854990, MONDO:0014212, OMIM 615501.

Submission:

Labcorp Genetics (formerly Invitae), Labcorp
Classification: Uncertain significance for Sulfite oxidase deficiency due to molybdenum cofactor deficiency type C. Last evaluated: 2020-10-25. Review status: criteria provided, single submitter. Criteria: Invitae Variant Classification Sherloc (09022015). Collection method: clinical testing. Allele origin: germline.
Comment: Algorithms developed to predict the effect of missense changes on protein structure and function are either unavailable or do not agree on the potential impact of this missense change (SIFT: "Deleterious"; PolyPhen-2: "Benign"; Align-GVGD: "Class C0"). This variant has not been reported in the literature in individuals with GPHN-related conditions. This variant is not present in population databases (ExAC no frequency). This sequence change replaces threonine with proline at codon 88 of the GPHN protein (p.Thr88Pro). The threonine residue is highly conserved and there is a small physicochemical difference between threonine and proline. In summary, the available evidence is currently insufficient to determine the role of this variant in disease. Therefore, it has been classified as a Variant of Uncertain Significance.

NM_020806.5(GPHN):c.262A>C (p.Thr88Pro)

Gene: GPHN (gephyrin; plus strand). Cytogenetic location: 14q23.3.
Variant type: single nucleotide variant.
Coding change: c.262A>C on transcript NM_020806.5 (MANE Select); coding-DNA position 262, A replaced by C.
Protein change: p.Thr88Pro; replaces threonine 88 with proline.
Molecular consequence: missense variant.
Genome position (GRCh38, 1-based): chr14:66,824,534, A>C. VCF-style: chr14-66824534-A-C. GRCh37 (hg19) VCF-style: chr14-67291252-A-C.
Other names: c.262A>C, p.Thr88Pro (NM_001024218.2, NM_001377514.1, NM_001377515.1 and 4 more transcripts); short protein forms T88P.
Identifiers: ClinVar variation 1060756 (VCV001060756.9), dbSNP rs2153492975, ClinGen allele CA390255527.